The following is an entry in ClinVar:

NM_003591.4(CUL2):c.1005G>A (p.Met335Ile)

Gene: CUL2 (cullin 2; minus strand). Cytogenetic location: 10p11.21.
Variant type: single nucleotide variant.
Coding change: c.1005G>A on transcript NM_003591.4 (MANE Select); coding-DNA position 1005, G replaced by A.
Protein change: p.Met335Ile; replaces methionine 335 with isoleucine.
Molecular consequence: missense variant.
Genome position (GRCh38, 1-based): chr10:35,033,271, C>T on the plus strand (G>A on the coding strand, the complement: CUL2 is on the minus strand). VCF-style: chr10-35033271-C-T. GRCh37 (hg19) VCF-style: chr10-35322199-C-T.
Other names: c.1005G>A, p.Met335Ile (NM_001198777.2); c.1062G>A, p.Met354Ile (NM_001198778.2); c.1044G>A, p.Met348Ile (NM_001198779.1); c.816G>A, p.Met272Ile (NM_001324375.2); c.612G>A, p.Met204Ile (NM_001324376.2); short protein forms M204I, M272I, M335I, M348I, M354I.
Identifiers: ClinVar variation 3904831 (VCV003904831.10).

ClinVar aggregate classification (germline): Likely benign (1 of 4 stars; one submission).

gnomAD v4.1: 7,888 of 1,606,670 alleles (0.49%); highest among the groups gnomAD compares: South Asian, 0.56%; 37 homozygotes.

Submission:

CeGaT Center for Human Genetics Tuebingen
Classification: Likely benign. Last evaluated: 2025-06-01. Review status: criteria provided, single submitter. Criteria: CeGaT Center For Human Genetics Tuebingen Variant Classification Criteria Version 2. Collection method: clinical testing. Allele origin: germline. Affected: yes. Observed: 1 variant allele.
Comment: CUL2: BS2